The following is an entry in ClinVar:

NM_001042517.2(DIAPH3):c.834T>A (p.Asp278Glu)

Gene: DIAPH3 (diaphanous related formin 3; minus strand). Cytogenetic location: 13q21.2.
Variant type: single nucleotide variant.
Coding change: c.834T>A on transcript NM_001042517.2 (MANE Select); coding-DNA position 834, T replaced by A.
Protein change: p.Asp278Glu; replaces aspartic acid 278 with glutamic acid.
Molecular consequence: missense variant.
Genome position (GRCh38, 1-based): chr13:60,010,607, A>T on the plus strand (T>A on the coding strand, the complement: DIAPH3 is on the minus strand). VCF-style: chr13-60010607-A-T. GRCh37 (hg19) VCF-style: chr13-60584741-A-T.
Other names: c.801T>A, p.Asp267Glu (NM_001258366.2); c.696T>A, p.Asp232Glu (NM_001258367.2); c.624T>A, p.Asp208Glu (NM_001258368.2); c.834T>A, p.Asp278Glu (NM_001258369.2); c.45T>A, p.Asp15Glu (NM_001258370.2, NM_030932.4); c.834T>A (NM_001042517.1); short protein forms D267E, D15E, D208E, D232E, D278E.
Identifiers: ClinVar variation 2172578 (VCV002172578.5), dbSNP rs750541040, ClinGen allele CA6996879.

ClinVar aggregate classification (germline): Uncertain significance. Review status: criteria provided, multiple submitters, no conflicts (2 of 4 stars). 2 submissions from 2 submitters: Uncertain significance (2). Last evaluated 2025-09-03.

Allele frequency attached by ClinVar (database versions not stated): ExAC 0.00001; gnomAD exomes 0.00002.
gnomAD v4.1: 12 of 1,613,808 alleles (0.00074%); highest among the groups gnomAD compares: Admixed American, 0.02%; no homozygotes.

Submissions (2):

Labcorp Genetics (formerly Invitae), Labcorp
Classification: Uncertain significance. Last evaluated: 2025-09-03. Review status: criteria provided, single submitter. Criteria: Invitae Variant Classification Sherloc (09022015). Collection method: clinical testing. Allele origin: germline.
Comment: This sequence change replaces aspartic acid, which is acidic and polar, with glutamic acid, which is acidic and polar, at codon 278 of the DIAPH3 protein (p.Asp278Glu). This variant is present in population databases (rs750541040, gnomAD 0.03%). This variant has not been reported in the literature in individuals affected with DIAPH3-related conditions. ClinVar contains an entry for this variant (Variation ID: 2172578). An algorithm developed to predict the effect of missense changes on protein structure and function (PolyPhen-2) suggests that this variant is likely to be disruptive. In summary, the available evidence is currently insufficient to determine the role of this variant in disease. Therefore, it has been classified as a Variant of Uncertain Significance.

Ambry Genetics
Classification: Uncertain significance. Last evaluated: 2022-08-17. Review status: criteria provided, single submitter. Criteria: Ambry Variant Classification Scheme 2023. Collection method: clinical testing. Allele origin: germline.